The following is an entry in ClinVar:

ClinVar aggregate classification (germline): Benign. Review status: criteria provided, multiple submitters, no conflicts (2 of 4 stars). 3 submissions from 3 submitters: Benign (3). Last evaluated 2026-09-01.

Allele frequency attached by ClinVar (database versions not stated): gnomAD exomes 0.00034 and 0.00083; ExAC 0.00142; ESP Exome Variant Server 0.00401; gnomAD 0.00402 and 0.00428; TOPMed 0.00441; 1000 Genomes Project 0.00479; 1000 Genomes Project 30x 0.00562.
gnomAD v4.1: 1,153 of 1,602,650 alleles (0.072%); highest among the groups gnomAD compares: African/African-American, 1.3%; 13 homozygotes.

Submissions (3):

CeGaT Center for Human Genetics Tuebingen
Classification: Benign. Last evaluated: 2026-09-01. Review status: criteria provided, single submitter. Criteria: CeGaT Center For Human Genetics Tuebingen Variant Classification Criteria Version 2. Collection method: clinical testing. Allele origin: germline. Affected: yes. Observed: 1 variant allele.
Comment: CASZ1: BP4, BP7, BS1, BS2

Labcorp Genetics (formerly Invitae), Labcorp
Classification: Benign. Last evaluated: 2025-12-01. Review status: criteria provided, single submitter. Criteria: Invitae Variant Classification Sherloc (09022015). Collection method: clinical testing. Allele origin: germline.

Breakthrough Genomics
Classification: Benign. Review status: criteria provided, single submitter. Criteria: ACMG Guidelines, 2015. Collection method: not provided. Allele origin: germline. Inheritance: Unknown mechanism. Affected: yes.

NM_001079843.3(CASZ1):c.2964C>G (p.Pro988=)

Gene: CASZ1 (castor zinc finger 1; minus strand). Cytogenetic location: 1p36.22.
Variant type: single nucleotide variant.
Coding change: c.2964C>G on transcript NM_001079843.3 (MANE Select); coding-DNA position 2964, C replaced by G.
Protein change: p.Pro988=; no amino-acid change (proline 988 retained).
Molecular consequence: synonymous variant.
Genome position (GRCh38, 1-based): chr1:10,649,354, G>C on the plus strand (C>G on the coding strand, the complement: CASZ1 is on the minus strand). VCF-style: chr1-10649354-G-C. GRCh37 (hg19) VCF-style: chr1-10709411-G-C.
Other names: c.2964C>G, p.Pro988= (NM_017766.5).
Identifiers: ClinVar variation 730657 (VCV000730657.11), dbSNP rs150861465, ClinGen allele CA584652.